The following is an entry in ClinVar:

NM_000094.4(COL7A1):c.682+6T>A

Gene: COL7A1 (collagen type VII alpha 1 chain; minus strand). Cytogenetic location: 3p21.31.
Variant type: single nucleotide variant.
Coding change: c.682+6T>A on transcript NM_000094.4 (MANE Select); 6 bases into the intron after coding-DNA position 682, T replaced by A.
Molecular consequence: intron variant.
Genome position (GRCh38, 1-based): chr3:48,593,096, A>T on the plus strand (T>A on the coding strand, the complement: COL7A1 is on the minus strand). VCF-style: chr3-48593096-A-T. GRCh37 (hg19) VCF-style: chr3-48630529-A-T.
Identifiers: ClinVar variation 3716422 (VCV003716422.2).

ClinVar aggregate classification (germline): Uncertain significance (1 of 4 stars; one submission).

gnomAD v4.1: 2 of 1,613,824 alleles (0.00012%); highest among the groups gnomAD compares: Non-Finnish European, 0.00017%; no homozygotes.

Submission:

Labcorp Genetics (formerly Invitae), Labcorp
Classification: Uncertain significance. Last evaluated: 2024-12-10. Review status: criteria provided, single submitter. Criteria: Invitae Variant Classification Sherloc (09022015). Collection method: clinical testing. Allele origin: germline.
Comment: This sequence change falls in intron 5 of the COL7A1 gene. It does not directly change the encoded amino acid sequence of the COL7A1 protein. It affects a nucleotide within the consensus splice site. This variant is not present in population databases (gnomAD no frequency). This variant has not been reported in the literature in individuals affected with COL7A1-related conditions. Variants that disrupt the consensus splice site are a relatively common cause of aberrant splicing (PMID: 17576681, 9536098). Algorithms developed to predict the effect of sequence changes on RNA splicing suggest that this variant may disrupt the consensus splice site. In summary, the available evidence is currently insufficient to determine the role of this variant in disease. Therefore, it has been classified as a Variant of Uncertain Significance.

Literature cited by the submitters: PubMed 17576681; PubMed 9536098.